The following is an entry in ClinVar:

ClinVar aggregate classification (germline): Benign. Review status: criteria provided, multiple submitters, no conflicts (2 of 4 stars). 2 submissions from 2 submitters: Benign (2). Last evaluated 2018-01-13.

Conditions:
Familial hypokalemia-hypomagnesemia (GTLMNS). Also called: gitelman syndrome; HYPOMAGNESEMIA-HYPOKALEMIA, PRIMARY RENOTUBULAR, WITH HYPOCALCIURIA; POTASSIUM AND MAGNESIUM DEPLETION. Identifiers: Orphanet 358, MedGen C0268450, MONDO:0009904, OMIM 263800.

Allele frequency attached by ClinVar (database versions not stated): 1000 Genomes Project 0.56130; 1000 Genomes Project 30x 0.56918; TOPMed 0.59218; gnomAD 0.59373 and 0.60253.

Submissions (2):

Illumina Laboratory Services, Illumina
Classification: Benign for Familial hypokalemia-hypomagnesemia. Last evaluated: 2018-01-13. Review status: criteria provided, single submitter. Criteria: ICSL Variant Classification Criteria 13 December 2019. Collection method: clinical testing. Allele origin: germline.
Comment: This variant was observed in the ICSL laboratory as part of a predisposition screen in an ostensibly healthy population. It had not been previously curated by ICSL or reported in the Human Gene Mutation Database (HGMD: prior to June 1st, 2018), and was therefore a candidate for classification through an automated scoring system. Utilizing variant allele frequency, disease prevalence and penetrance estimates, and inheritance mode, an automated score was calculated to assess if this variant is too frequent to cause the disease. Based on the score and internal cut-off values, a variant classified as benign is not then subjected to further curation. The score for this variant resulted in a classification of benign for this disease.

Breakthrough Genomics
Classification: Benign. Review status: criteria provided, single submitter. Criteria: ACMG Guidelines, 2015. Collection method: not provided. Allele origin: germline. Inheritance: Autosomal recessive inheritance. Affected: yes.

NM_001126108.2(SLC12A3):c.*931C>T

Gene: SLC12A3 (solute carrier family 12 member 3; plus strand). Cytogenetic location: 16q13.
Variant type: single nucleotide variant.
Coding change: c.*931C>T on transcript NM_001126108.2 (MANE Select); 931 bases downstream of the stop codon, C replaced by T.
Molecular consequence: 3 prime UTR variant.
Genome position (GRCh38, 1-based): chr16:56,914,336, C>T. VCF-style: chr16-56914336-C-T. GRCh37 (hg19) VCF-style: chr16-56948248-C-T.
Other names: c.*931C>T (NM_000339.3, NM_001126107.2).
Identifiers: ClinVar variation 319942 (VCV000319942.6), dbSNP rs37030, ClinGen allele CA10638072.
Genomic context (GRCh38, chr16:56,914,336, plus strand): 5'-GGTTCTTTGGACGAGGGACTTTTCGAACTTTTTTGGTTGCAACACACAGTAAGAAATATA[C>T]TTCACACTGAGACTTGCAGCGCACACACACGGAAACGACCAAAACAAAAATGTCACAAAA-3'